The following is an entry in ClinVar:

NM_001853.4(COL9A3):c.1304C>A (p.Ala435Glu)

Gene: COL9A3 (collagen type IX alpha 3 chain; plus strand). Cytogenetic location: 20q13.33.
Variant type: single nucleotide variant.
Coding change: c.1304C>A on transcript NM_001853.4 (MANE Select); coding-DNA position 1304, C replaced by A.
Protein change: p.Ala435Glu; replaces alanine 435 with glutamic acid.
Molecular consequence: missense variant.
Genome position (GRCh38, 1-based): chr20:62,832,170, C>A. VCF-style: chr20-62832170-C-A. GRCh37 (hg19) VCF-style: chr20-61463522-C-A.
Other names: c.1304C>A, p.Ala435Glu (LRG_1253t1); short protein forms A435E.
Identifiers: ClinVar variation 195873 (VCV000195873.32), dbSNP rs751557, ClinGen allele CA201986.
Genomic context (GRCh38, chr20:62,832,170, plus strand): 5'-ATTCCTGCCATTCCTCTAATCCAGAGCCTTCTCTCCACATCCAGGGTCCGGGAGGTGCCG[C>A]AGGCCCTAAGGGAGACCAGGTGAGCTGGGCACAGGCTGGGGCAAAAGGAATGAAGGCAAA-3'
Protein context (NP_001844.3, residues 425-445): DVGDRGPGGA[Ala435Glu]GPKGDQGIAG

ClinVar aggregate classification (germline): Benign/Likely benign. Review status: criteria provided, multiple submitters, no conflicts (2 of 4 stars). 15 submissions from 15 submitters: Benign (10); Likely benign (1). 4 of the submissions do not count toward it. Last evaluated 2026-05-08.

Conditions:
Connective tissue disorder. Also called: Connective tissue disease. Identifiers: MedGen C0009782, MONDO:0003900.
Epiphyseal dysplasia, multiple, 3 (EDM3). Also called: COL9A3-Related Multiple Epiphyseal Dysplasia; Epiphyseal dysplasia, multiple, 3, with or without myopathy. Identifiers: MedGen C1832998, MONDO:0010964, OMIM 600969.

Allele frequency attached by ClinVar (database versions not stated): gnomAD exomes 0.17485 and 0.19530; ExAC 0.18199; 1000 Genomes Project 0.21286; 1000 Genomes Project 30x 0.21814; gnomAD 0.24599 and 0.25404; TOPMed 0.24964; ESP Exome Variant Server 0.27072.
gnomAD v4.1: 320,789 of 1,605,876 alleles (20%); highest among the groups gnomAD compares: African/African-American, 41%; 35,943 homozygotes.

Submissions (15):

Women's Health and Genetics/Laboratory Corporation of America, LabCorp
Classification: Likely benign. Last evaluated: 2026-05-08. Review status: criteria provided, single submitter. Criteria: LabCorp Variant Classification Summary - May 2015. Collection method: clinical testing. Allele origin: germline.

Labcorp Genetics (formerly Invitae), Labcorp
Classification: Benign. Last evaluated: 2026-02-04. Review status: criteria provided, single submitter. Criteria: Invitae Variant Classification Sherloc (09022015). Collection method: clinical testing. Allele origin: germline.

Blueprint Genetics
Classification: Benign. Last evaluated: 2024-11-28. Review status: criteria provided, single submitter. Criteria: ACMG Guidelines, 2015. Collection method: clinical testing. Allele origin: germline.

Genome Diagnostics Laboratory, The Hospital for Sick Children
Classification: Benign for Connective tissue disorder. Last evaluated: 2022-07-18. Review status: criteria provided, single submitter. Criteria: ACMG Guidelines, 2015. Collection method: clinical testing. Allele origin: germline.

Genome-Nilou Lab
Classification: Benign for Epiphyseal dysplasia, multiple, 3. Last evaluated: 2021-07-30. Review status: criteria provided, single submitter. Criteria: ACMG Guidelines, 2015. Collection method: clinical testing. Allele origin: germline. Affected: no.

Mayo Clinic Laboratories, Mayo Clinic
Classification: Benign. Last evaluated: 2020-12-09. Review status: criteria provided, single submitter. Criteria: ACMG Guidelines, 2015. Collection method: clinical testing. Allele origin: germline. Observed: 66 variant alleles.

Mendelics
Classification: Benign for Epiphyseal dysplasia, multiple, 3. Last evaluated: 2019-05-28. Review status: criteria provided, single submitter. Criteria: Mendelics Assertion Criteria 2017. Collection method: clinical testing. Allele origin: unknown.

GeneDx
Classification: Benign. Last evaluated: 2018-06-05. Review status: criteria provided, single submitter. Criteria: GeneDx Variant Classification (06012015). Collection method: clinical testing. Allele origin: germline. Affected: yes.
Comment: This variant is considered likely benign or benign based on one or more of the following criteria: it is a conservative change, it occurs at a poorly conserved position in the protein, it is predicted to be benign by multiple in silico algorithms, and/or has population frequency not consistent with disease.

Eurofins Ntd Llc (ga)
Classification: Benign. Last evaluated: 2015-01-21. Review status: criteria provided, single submitter. Criteria: EGL Classification Definitions 2015. Collection method: clinical testing. Allele origin: germline. Observed: 1 variant allele, 1 heterozygote.

Breakthrough Genomics
Classification: Benign. Review status: criteria provided, single submitter. Criteria: ACMG Guidelines, 2015. Collection method: not provided. Allele origin: germline. Inheritance: Autosomal recessive inheritance. Affected: yes.

PreventionGenetics, part of Exact Sciences
Classification: Benign. Review status: criteria provided, single submitter. Criteria: ACMG Guidelines, 2015. Collection method: clinical testing. Allele origin: germline.

Clinical Genetics DNA and cytogenetics Diagnostics Lab, Erasmus MC, Erasmus Medical Center
Classification: Benign. Review status: no assertion criteria provided. Collection method: clinical testing. Allele origin: germline. Affected: yes. Study: VKGL Data-share Consensus. Not counted in ClinVar's aggregate classification.

Diagnostic Laboratory, Department of Genetics, University Medical Center Groningen
Classification: Benign. Review status: no assertion criteria provided. Collection method: clinical testing. Allele origin: germline. Affected: yes. Study: VKGL Data-share Consensus. Not counted in ClinVar's aggregate classification.

Genome Diagnostics Laboratory, Amsterdam University Medical Center
Classification: Benign. Review status: no assertion criteria provided. Collection method: clinical testing. Allele origin: germline. Affected: yes. Study: VKGL Data-share Consensus. Not counted in ClinVar's aggregate classification.

Joint Genome Diagnostic Labs from Nijmegen and Maastricht, Radboudumc and MUMC+
Classification: Benign. Review status: no assertion criteria provided. Collection method: clinical testing. Allele origin: germline. Affected: yes. Study: VKGL Data-share Consensus. Not counted in ClinVar's aggregate classification.